The following is an entry in ClinVar:

NM_032581.4(HYCC1):c.377C>T (p.Thr126Met)

Gene: HYCC1 (hyccin PI4KA lipid kinase complex subunit 1; minus strand). Cytogenetic location: 7p15.3.
Variant type: single nucleotide variant.
Coding change: c.377C>T on transcript NM_032581.4 (MANE Select); coding-DNA position 377, C replaced by T.
Protein change: p.Thr126Met; replaces threonine 126 with methionine.
Molecular consequence: missense variant.
Genome position (GRCh38, 1-based): chr7:22,977,378, G>A on the plus strand (C>T on the coding strand, the complement: HYCC1 is on the minus strand). VCF-style: chr7-22977378-G-A. GRCh37 (hg19) VCF-style: chr7-23016997-G-A.
Other names: c.377C>T, p.Thr126Met (NM_001363466.2, NM_001363467.2); short protein forms T126M.
Identifiers: ClinVar variation 2062168 (VCV002062168.2), dbSNP rs554890350, ClinGen allele CA4186025.
Genomic context (GRCh38, chr7:22,977,378, plus strand): 5'-TACTGTGATAAAATGTCACTTACTTCATGGTATACAGATGGTTTGGATAAAGATGGAATC[G>A]TAAAACTCAATACTTTGGTATGTCCCTGTTTGTCAACTATTTCCTATAGAAGTGAAAGAA-3'
Protein context (NP_115970.2, residues 116-136): KQGHTKVLSF[Thr126Met]IPSLSKPSVY

ClinVar aggregate classification (germline): Uncertain significance (1 of 4 stars; one submission).

Conditions:
Hypomyelination and Congenital Cataract (HLD5). Also called: hypomyelinating leukodystrophy 5. Identifiers: Orphanet 85163, MedGen C1864663, MONDO:0012514, OMIM 610532.

Allele frequency attached by ClinVar (database versions not stated): gnomAD exomes below 0.00001; ExAC 0.00001; gnomAD 0.00002; TOPMed 0.00002; 1000 Genomes Project 30x 0.00016; 1000 Genomes Project 0.00020.
gnomAD v4.1: 10 of 1,598,638 alleles (0.00063%); highest among the groups gnomAD compares: Admixed American, 0.005%; no homozygotes.

Submission:

Labcorp Genetics (formerly Invitae), Labcorp
Classification: Uncertain significance for Hypomyelination and Congenital Cataract. Last evaluated: 2022-09-01. Review status: criteria provided, single submitter. Criteria: Invitae Variant Classification Sherloc (09022015). Collection method: clinical testing. Allele origin: germline.
Comment: In summary, the available evidence is currently insufficient to determine the role of this variant in disease. Therefore, it has been classified as a Variant of Uncertain Significance. Algorithms developed to predict the effect of missense changes on protein structure and function are either unavailable or do not agree on the potential impact of this missense change (SIFT: "Tolerated"; PolyPhen-2: "Probably Damaging"; Align-GVGD: "Class C15"). This variant has not been reported in the literature in individuals affected with FAM126A-related conditions. This variant is present in population databases (rs554890350, gnomAD 0.006%). This sequence change replaces threonine, which is neutral and polar, with methionine, which is neutral and non-polar, at codon 126 of the FAM126A protein (p.Thr126Met).